The following is an entry in ClinVar:

ClinVar aggregate classification (germline): Conflicting classifications of pathogenicity. Review status: criteria provided, conflicting classifications (1 of 4 stars). 2 submissions from 2 submitters: Likely pathogenic (1); Uncertain significance (1). Last evaluated 2026-04-24.

gnomAD v4.1: 4 of 1,610,236 alleles (0.00025%); highest among the groups gnomAD compares: African/African-American, 0.0053%; no homozygotes.

Submissions (2):

GeneDx
Classification: Likely pathogenic. Last evaluated: 2026-04-24. Review status: criteria provided, single submitter. Criteria: GeneDx Variant Classification Process June 2021. Collection method: clinical testing. Allele origin: germline.
Comment: Canonical splice site variant predicted to result in an in-frame loss of the adjacent exon in a gene for which loss of function is a known mechanism of disease; Not observed at significant frequency in large population cohorts (gnomAD); Has not been previously published as pathogenic or benign in association with an LAMA1-related disorder to our knowledge; This variant is associated with the following publications: (PMID: 31964843)

Blueprint Genetics
Classification: Uncertain significance. Last evaluated: 2024-10-09. Review status: criteria provided, single submitter. Criteria: ACMG Guidelines, 2015. Collection method: clinical testing. Allele origin: germline.

NM_005559.4(LAMA1):c.4383-1G>C

Gene: LAMA1 (laminin subunit alpha 1; minus strand). Cytogenetic location: 18p11.31.
Variant type: single nucleotide variant.
Coding change: c.4383-1G>C on transcript NM_005559.4 (MANE Select); the canonical splice acceptor site of the intron before coding-DNA position 4383, G replaced by C.
Molecular consequence: splice acceptor variant.
Genome position (GRCh38, 1-based): chr18:6,999,998, C>G on the plus strand (G>C on the coding strand, the complement: LAMA1 is on the minus strand). VCF-style: chr18-6999998-C-G. GRCh37 (hg19) VCF-style: chr18-6999997-C-G.
Identifiers: ClinVar variation 4937991 (VCV004937991.2).